The following is an entry in ClinVar:

ClinVar aggregate classification (germline): Uncertain significance. Review status: criteria provided, multiple submitters, no conflicts (2 of 4 stars). 2 submissions from 2 submitters: Uncertain significance (2). Last evaluated 2026-03-28.

Conditions:
Cardiovascular phenotype. Identifiers: MedGen CN230736.
Long QT syndrome (LQTS). Identifiers: MedGen C0023976, MeSH D008133, MONDO:0002442. Disease mechanism: loss of function. Inheritance: Various modes of inheritance.

Allele frequency attached by ClinVar (database versions not stated): gnomAD exomes below 0.00001.
gnomAD v4.1: 7 of 1,614,174 alleles (0.00043%); highest among the groups gnomAD compares: Non-Finnish European, 0.00059%; no homozygotes.

Submissions (2):

Ambry Genetics
Classification: Uncertain significance for Cardiovascular phenotype. Last evaluated: 2026-03-28. Review status: criteria provided, single submitter. Criteria: Ambry Variant Classification Scheme 2023. Collection method: clinical testing. Allele origin: germline.
Comment: The p.D3948G variant (also known as c.11843A>G), located in coding exon 45 of the ANK2 gene, results from an A to G substitution at nucleotide position 11843. The aspartic acid at codon 3948 is replaced by glycine, an amino acid with similar properties. This amino acid position is conserved. In addition, the in silico prediction for this alteration is inconclusive. Based on the available evidence, the clinical significance of this variant remains unclear.

Labcorp Genetics (formerly Invitae), Labcorp
Classification: Uncertain significance for Long QT syndrome. Last evaluated: 2022-02-03. Review status: criteria provided, single submitter. Criteria: Invitae Variant Classification Sherloc (09022015). Collection method: clinical testing. Allele origin: germline.
Comment: This sequence change replaces aspartic acid, which is acidic and polar, with glycine, which is neutral and non-polar, at codon 3948 of the ANK2 protein (p.Asp3948Gly). This variant is present in population databases (no rsID available, gnomAD 0.0009%). This variant has not been reported in the literature in individuals affected with ANK2-related conditions. Algorithms developed to predict the effect of missense changes on protein structure and function are either unavailable or do not agree on the potential impact of this missense change (SIFT: "Deleterious"; PolyPhen-2: "Possibly Damaging"; Align-GVGD: "Class C0"). In summary, the available evidence is currently insufficient to determine the role of this variant in disease. Therefore, it has been classified as a Variant of Uncertain Significance.

NM_001148.6(ANK2):c.11843A>G (p.Asp3948Gly)

Gene: ANK2 (ankyrin 2; plus strand). Cytogenetic location: 4q26.
Variant type: single nucleotide variant.
Coding change: c.11843A>G on transcript NM_001148.6 (MANE Select); coding-DNA position 11843, A replaced by G.
Protein change: p.Asp3948Gly; replaces aspartic acid 3948 with glycine.
Molecular consequence: missense variant. On other transcripts: intron variant (9).
Genome position (GRCh38, 1-based): chr4:113,373,433, A>G. VCF-style: chr4-113373433-A-G. GRCh37 (hg19) VCF-style: chr4-114294589-A-G.
Other names: c.5588A>G, p.Asp1863Gly (NM_020977.5); c.5310+260A>G (NM_001354272.2); c.5277+260A>G (NM_001354275.2); c.5253+260A>G (NM_001354276.2, NM_001386162.1); c.5298+260A>G (NM_001354274.2); c.5055+260A>G (NM_001354277.2); c.5436+260A>G (NM_001354265.2); c.5412+3628A>G (NM_001386152.1); and 51 more; short protein forms D1702G, D1768G, D1776G, D1785G, D1792G, D1797G, D1805G, D1811G.
Identifiers: ClinVar variation 1350987 (VCV001350987.9), dbSNP rs1180995288, ClinGen allele CA357943842.
Genomic context (GRCh38, chr4:113,373,433, plus strand): 5'-TCAACATCGAGGAAGGGGATGGCTATTCCAAAGTTATAAAGCGTGTTGTATTGAAGAGTG[A>G]CACCGAGCAGTCAGAGGTGAGACAACCTGATTCTCTAAAACCCATTTGATGGAGAGGAAC-3'
Protein context (NP_001139.3, residues 3938-3957): KVIKRVVLKS[Asp3948Gly]TEQSEDNNE